The following is an entry in ClinVar:

ClinVar aggregate classification (germline): Uncertain significance (1 of 4 stars; one submission).

Conditions:
Hereditary cancer-predisposing syndrome. Also called: Hereditary Cancer Syndrome; Hereditary neoplastic syndrome; Neoplastic Syndromes, Hereditary; Tumor predisposition. Identifiers: Orphanet 140162, MedGen C0027672, MeSH D009386, MONDO:0015356.

Submission:

Ambry Genetics
Classification: Uncertain significance for Hereditary cancer-predisposing syndrome. Last evaluated: 2025-09-12. Review status: criteria provided, single submitter. Criteria: Ambry Variant Classification Scheme 2023. Collection method: clinical testing. Allele origin: germline.
Comment: The c.2292A>G variant (also known as p.A764A), located in coding exon 15 of the CTNNA1 gene, results from an A to G substitution at nucleotide position 2292. This nucleotide substitution does not change the amino acid at codon 764. This nucleotide position is not well conserved in available vertebrate species. In silico splice site analysis for this alteration is inconclusive. Based on the available evidence, the clinical significance of this variant remains unclear.

NM_001903.5(CTNNA1):c.2292A>G (p.Ala764=)

Gene: CTNNA1 (catenin alpha 1; plus strand). Cytogenetic location: 5q31.2.
Variant type: single nucleotide variant.
Coding change: c.2292A>G on transcript NM_001903.5 (MANE Select); coding-DNA position 2292, A replaced by G.
Protein change: p.Ala764=; no amino-acid change (alanine 764 retained).
Molecular consequence: synonymous variant.
Genome position (GRCh38, 1-based): chr5:138,930,929, A>G. VCF-style: chr5-138930929-A-G. GRCh37 (hg19) VCF-style: chr5-138266618-A-G.
Other names: c.2292A>G, p.Ala764= (NM_001290307.3, NM_001323982.2, NM_001323983.1 and 2 more transcripts); c.1983A>G, p.Ala661= (NM_001290309.3); c.1923A>G, p.Ala641= (NM_001290310.3); c.1182A>G, p.Ala394= (NM_001290312.1, NM_001323987.1, NM_001323988.1 and 17 more transcripts); c.2199A>G, p.Ala733= (NM_001323986.2); c.843A>G, p.Ala281= (NM_001324006.1, NM_001324007.1, NM_001324008.1 and 2 more transcripts); c.1089A>G, p.Ala363= (NM_001324011.1); c.939A>G, p.Ala313= (NM_001324012.1, NM_001324013.1).
Identifiers: ClinVar variation 4235655 (VCV004235655.1).